The following is an entry in ClinVar:

NM_001165963.4(SCN1A):c.964A>G (p.Arg322Gly)

Gene: SCN1A (sodium voltage-gated channel alpha subunit 1; minus strand). Cytogenetic location: 2q24.3.
Variant type: single nucleotide variant.
Coding change: c.964A>G on transcript NM_001165963.4 (MANE Select); coding-DNA position 964, A replaced by G.
Protein change: p.Arg322Gly; replaces arginine 322 with glycine.
Molecular consequence: missense variant. On other transcripts: 5 prime UTR variant (1), non-coding transcript variant (1).
Genome position (GRCh38, 1-based): chr2:166,051,719, T>C on the plus strand (A>G on the coding strand, the complement: SCN1A is on the minus strand). VCF-style: chr2-166051719-T-C. GRCh37 (hg19) VCF-style: chr2-166908229-T-C.
Other names: c.964A>G, p.Arg322Gly (NM_001165964.3, NM_001202435.3, NM_001353948.2 and 10 more transcripts); c.-1462A>G (NM_001353961.2); short protein forms R322G.
Identifiers: ClinVar variation 2578873 (VCV002578873.26), dbSNP rs1553549432, ClinGen allele CA349072419.

ClinVar aggregate classification (germline): Uncertain significance. Review status: criteria provided, multiple submitters, no conflicts (2 of 4 stars). 2 submissions from 2 submitters: Uncertain significance (2). Last evaluated 2023-07-01.

Submissions (2):

CeGaT Center for Human Genetics Tuebingen
Classification: Uncertain significance. Last evaluated: 2023-07-01. Review status: criteria provided, single submitter. Criteria: CeGaT Center For Human Genetics Tuebingen Variant Classification Criteria Version 2. Collection method: clinical testing. Allele origin: germline. Affected: yes. Observed: 1 variant allele.
Comment: SCN1A: PM2, BP5

Blueprint Genetics
Classification: Uncertain significance. Last evaluated: 2019-03-07. Review status: criteria provided, single submitter. Criteria: ACMG Guidelines, 2015. Collection method: clinical testing. Allele origin: germline.